The following is an entry in ClinVar:

ClinVar aggregate classification (germline): Likely benign. Review status: criteria provided, multiple submitters, no conflicts (2 of 4 stars). 4 submissions from 4 submitters: Likely benign (4). Last evaluated 2026-01-27.

Conditions:
Dermatofibrosis lenticularis disseminata (BOS). Also called: DERMATOFIBROSIS LENTICULARIS DISSEMINATA WITH OSTEOPOIKILOSIS; DERMATOOSTEOPOIKILOSIS; OSTEOPATHIA CONDENSANS DISSEMINATA. Identifiers: Orphanet 1306, MedGen C0265514, MONDO:0008157, OMIM 166700.

Allele frequency attached by ClinVar (database versions not stated): 1000 Genomes Project 0.00020; 1000 Genomes Project 30x 0.00031; ExAC 0.00045; gnomAD exomes 0.00046 and 0.00085; TOPMed 0.00056; gnomAD 0.00058 and 0.00060; ESP Exome Variant Server 0.00077.
gnomAD v4.1: 1,292 of 1,601,566 alleles (0.081%); highest among the groups gnomAD compares: Non-Finnish European, 0.1%; no homozygotes.

Submissions (4):

Labcorp Genetics (formerly Invitae), Labcorp
Classification: Likely benign. Last evaluated: 2026-01-27. Review status: criteria provided, single submitter. Criteria: Invitae Variant Classification Sherloc (09022015). Collection method: clinical testing. Allele origin: germline.

Blueprint Genetics
Classification: Likely benign. Last evaluated: 2024-11-26. Review status: criteria provided, single submitter. Criteria: ACMG Guidelines, 2015. Collection method: clinical testing. Allele origin: germline.

Illumina Laboratory Services, Illumina
Classification: Likely benign for Dermatofibrosis lenticularis disseminata. Last evaluated: 2018-01-12. Review status: criteria provided, single submitter. Criteria: ICSL Variant Classification Criteria 13 December 2019. Collection method: clinical testing. Allele origin: germline.
Comment: This variant was observed in the ICSL laboratory as part of a predisposition screen in an ostensibly healthy population. It had not been previously curated by ICSL or reported in the Human Gene Mutation Database (HGMD: prior to June 1st, 2018), and was therefore a candidate for classification through an automated scoring system. Utilizing variant allele frequency, disease prevalence and penetrance estimates, and inheritance mode, an automated score was calculated to assess if this variant is too frequent to cause the disease. Based on the score and internal cut-off values, a variant classified as likely benign is not then subjected to further curation. The score for this variant resulted in a classification of likely benign for this disease.

Eurofins Ntd Llc (ga)
Classification: Likely benign. Last evaluated: 2017-06-23. Review status: criteria provided, single submitter. Criteria: EGL Classification Definitions 2015. Collection method: clinical testing. Allele origin: germline. Observed: 1 variant allele, 1 heterozygote.

NM_014319.5(LEMD3):c.2331A>C (p.Ser777=)

Gene: LEMD3 (LEM domain containing 3; plus strand). Cytogenetic location: 12q14.3.
Variant type: single nucleotide variant.
Coding change: c.2331A>C on transcript NM_014319.5 (MANE Select); coding-DNA position 2331, A replaced by C.
Protein change: p.Ser777=; no amino-acid change (serine 777 retained).
Molecular consequence: synonymous variant.
Genome position (GRCh38, 1-based): chr12:65,243,413, A>C. VCF-style: chr12-65243413-A-C. GRCh37 (hg19) VCF-style: chr12-65637193-A-C.
Other names: c.2328A>C, p.Ser776= (NM_001167614.2).
Identifiers: ClinVar variation 501660 (VCV000501660.20), dbSNP rs146896083, ClinGen allele CA6671196.